The following is an entry in ClinVar:

ClinVar aggregate classification (germline): Uncertain significance. Review status: criteria provided, multiple submitters, no conflicts (2 of 4 stars). 2 submissions from 2 submitters: Uncertain significance (2). Last evaluated 2026-04-27.

Allele frequency attached by ClinVar (database versions not stated): TOPMed 0.00005; gnomAD 0.00007; ESP Exome Variant Server 0.00008; gnomAD exomes 0.00011 and 0.00012; ExAC 0.00017.
gnomAD v4.1: 162 of 1,611,890 alleles (0.01%); highest among the groups gnomAD compares: South Asian, 0.028%; no homozygotes.

Submissions (2):

Women's Health and Genetics/Laboratory Corporation of America, LabCorp
Classification: Uncertain significance. Last evaluated: 2026-04-27. Review status: criteria provided, single submitter. Criteria: LabCorp Variant Classification Summary - May 2015. Collection method: clinical testing. Allele origin: germline.
Comment: Variant summary: DOCK6 c.527C>T (p.Ser176Leu) results in a non-conservative amino acid change in the encoded protein sequence. Algorithms developed to predict the effect of missense changes on protein structure and function are either unavailable or do not agree on the potential impact of this missense change. The variant allele was found at a frequency of 0.00012 in 243360 control chromosomes. This frequency is not significantly higher than estimated for disease-causing variants in DOCK6, allowing no conclusion about variant significance. To our knowledge, no occurrence of c.527C>T in individuals affected with DOCK6-related conditions and no experimental evidence demonstrating its impact on protein function have been reported. ClinVar contains an entry for this variant (Variation ID: 1472697). Based on the evidence outlined above, the variant was classified as uncertain significance.

Labcorp Genetics (formerly Invitae), Labcorp
Classification: Uncertain significance. Last evaluated: 2022-06-28. Review status: criteria provided, single submitter. Criteria: Invitae Variant Classification Sherloc (09022015). Collection method: clinical testing. Allele origin: germline.
Comment: This sequence change replaces serine, which is neutral and polar, with leucine, which is neutral and non-polar, at codon 176 of the DOCK6 protein (p.Ser176Leu). This variant is present in population databases (rs200113047, gnomAD 0.03%). This variant has not been reported in the literature in individuals affected with DOCK6-related conditions. Algorithms developed to predict the effect of missense changes on protein structure and function are either unavailable or do not agree on the potential impact of this missense change (SIFT: "Deleterious"; PolyPhen-2: "Possibly Damaging"; Align-GVGD: "Class C0"). In summary, the available evidence is currently insufficient to determine the role of this variant in disease. Therefore, it has been classified as a Variant of Uncertain Significance.

NM_020812.4(DOCK6):c.527C>T (p.Ser176Leu)

Gene: DOCK6 (dedicator of cytokinesis 6; minus strand). Cytogenetic location: 19p13.2.
Variant type: single nucleotide variant.
Coding change: c.527C>T on transcript NM_020812.4 (MANE Select); coding-DNA position 527, C replaced by T.
Protein change: p.Ser176Leu; replaces serine 176 with leucine.
Molecular consequence: missense variant.
Genome position (GRCh38, 1-based): chr19:11,251,067, G>A on the plus strand (C>T on the coding strand, the complement: DOCK6 is on the minus strand). VCF-style: chr19-11251067-G-A. GRCh37 (hg19) VCF-style: chr19-11361743-G-A.
Other names: c.527C>T, p.Ser176Leu (NM_001367830.1); short protein forms S176L.
Identifiers: ClinVar variation 1472697 (VCV001472697.4), dbSNP rs200113047, ClinGen allele CA9208448.